The following is an entry in ClinVar:

ClinVar aggregate classification (germline): Conflicting classifications of pathogenicity. Review status: criteria provided, conflicting classifications (1 of 4 stars). 2 submissions from 2 submitters: Uncertain significance (1); Likely benign (1). Last evaluated 2025-10-02.

Conditions:
Inborn genetic diseases. Identifiers: MedGen C0950123, MeSH D030342.
Acute myeloid leukemia (AML). Also called: Acute myeloid leukemia, adult; AML adult; Acute non-lymphocytic leukemia; Acute granulocytic leukemia; Leukemia, acute myeloid, somatic; Leukemia, acute myelogenous, somatic. Identifiers: Orphanet 519, MedGen C0023467, MeSH D015470, MONDO:0018874, OMIM 601626, HP:0004808. Disease mechanism: Constitutively activated FLT3.

Submissions (2):

Ambry Genetics
Classification: Likely benign for Inborn genetic diseases. Last evaluated: 2025-10-02. Review status: criteria provided, single submitter. Criteria: Ambry Variant Classification Scheme 2023. Collection method: clinical testing. Allele origin: germline.

Labcorp Genetics (formerly Invitae), Labcorp
Classification: Uncertain significance for Acute myeloid leukemia. Last evaluated: 2024-09-30. Review status: criteria provided, single submitter. Criteria: Invitae Variant Classification Sherloc (09022015). Collection method: clinical testing. Allele origin: germline.
Comment: This sequence change affects codon 310 of the CEBPA mRNA. It is a 'silent' change, meaning that it does not change the encoded amino acid sequence of the CEBPA protein. This variant is not present in population databases (gnomAD no frequency). This variant has not been reported in the literature in individuals affected with CEBPA-related conditions. Experimental studies and prediction algorithms are not available or were not evaluated, and the effect of this variant on mRNA splicing is currently unknown. In summary, the available evidence is currently insufficient to determine the role of this variant in disease. Therefore, it has been classified as a Variant of Uncertain Significance.

NM_004364.5(CEBPA):c.930G>A (p.Thr310=)

Gene: CEBPA (CCAAT enhancer binding protein alpha; minus strand). Cytogenetic location: 19q13.11.
Variant type: single nucleotide variant.
Coding change: c.930G>A on transcript NM_004364.5 (MANE Select); coding-DNA position 930, G replaced by A.
Protein change: p.Thr310=; no amino-acid change (threonine 310 retained).
Molecular consequence: synonymous variant.
Genome position (GRCh38, 1-based): chr19:33,301,485, C>T on the plus strand (G>A on the coding strand, the complement: CEBPA is on the minus strand). VCF-style: chr19-33301485-C-T. GRCh37 (hg19) VCF-style: chr19-33792391-C-T.
Other names: c.573G>A, p.Thr191= (NM_001285829.2); c.1035G>A, p.Thr345= (NM_001287424.2); c.888G>A, p.Thr296= (NM_001287435.2).
Identifiers: ClinVar variation 3718580 (VCV003718580.3).